The following is an entry in ClinVar:

ClinVar aggregate classification (germline): Uncertain significance (1 of 4 stars; one submission).

Conditions:
Cortical dysplasia, complex, with other brain malformations 11 (CDCBM11). Identifiers: MedGen C5774270, MONDO:0859332, OMIM 620156.

Submission:

OLLIN Analises Genomicas, OLLIN
Classification: Uncertain significance for Cortical dysplasia, complex, with other brain malformations 11. Last evaluated: 2026-08-06. Review status: criteria provided, single submitter. Criteria: ACMG Guidelines 2015 PMID 25741868. Collection method: clinical testing. Allele origin: germline. Inheritance: Autosomal recessive inheritance.
Comment: This missense variant, located in exon 12 (of 15), has been observed in gnomAD with an allele frequency of 0.00031%, but has not been reported in ClinVar or identified in the literature. In silico analysis predicts that this variant has a tolerated effect. According to the currently available evidence, this variant has been classified as uncertain significance (PM2_P, BP4_M).

NM_015656.2(KIF26A):c.2778C>G (p.Asp926Glu)

Gene: KIF26A (kinesin family member 26A; plus strand). Cytogenetic location: 14q32.33.
Variant type: single nucleotide variant.
Coding change: c.2778C>G on transcript NM_015656.2 (MANE Select); coding-DNA position 2778, C replaced by G.
Protein change: p.Asp926Glu; replaces aspartic acid 926 with glutamic acid.
Molecular consequence: missense variant.
Genome position (GRCh38, 1-based): chr14:104,175,566, C>G. VCF-style: chr14-104175566-C-G. GRCh37 (hg19) VCF-style: chr14-104641903-C-G.
Other names: short protein forms D926E.
Identifiers: ClinVar variation 5002748 (VCV005002748.1).
Genomic context (GRCh38, chr14:104,175,566, plus strand): 5'-CACCCACCAGGGTACCCCTGAGCCCTGCAAGGCCATTGTCTGGGGTGACCAGAGAGAGGA[C>G]AGCAGCGCTTGGCCTGAGCTGCTGGTCCCGGAAAAGGCTGCAGTGAGTGGAGGCAGGAGG-3'
Protein context (NP_056471.1, residues 916-936): KAIVWGDQRE[Asp926Glu]SSAWPELLVP